The following is an entry in ClinVar:

ClinVar aggregate classification (germline): Uncertain significance (1 of 4 stars; one submission).

Submission:

Labcorp Genetics (formerly Invitae), Labcorp
Classification: Uncertain significance. Last evaluated: 2024-11-21. Review status: criteria provided, single submitter. Criteria: Invitae Variant Classification Sherloc (09022015). Collection method: clinical testing. Allele origin: germline.
Comment: This sequence change replaces tyrosine, which is neutral and polar, with asparagine, which is neutral and polar, at codon 610 of the ERBB2 protein (p.Tyr610Asn). This variant is not present in population databases (gnomAD no frequency). This variant has not been reported in the literature in individuals affected with ERBB2-related conditions. Invitae Evidence Modeling of protein sequence and biophysical properties (such as structural, functional, and spatial information, amino acid conservation, physicochemical variation, residue mobility, and thermodynamic stability) indicates that this missense variant is not expected to disrupt ERBB2 protein function with a negative predictive value of 80%. In summary, the available evidence is currently insufficient to determine the role of this variant in disease. Therefore, it has been classified as a Variant of Uncertain Significance.

NM_004448.4(ERBB2):c.1828T>A (p.Tyr610Asn)

Gene: ERBB2 (erb-b2 receptor tyrosine kinase 2; plus strand). Cytogenetic location: 17q12.
Variant type: single nucleotide variant.
Coding change: c.1828T>A on transcript NM_004448.4 (MANE Select); coding-DNA position 1828, T replaced by A.
Protein change: p.Tyr610Asn; replaces tyrosine 610 with asparagine.
Molecular consequence: missense variant. On other transcripts: non-coding transcript variant (1), intron variant (1).
Genome position (GRCh38, 1-based): chr17:39,717,410, T>A. VCF-style: chr17-39717410-T-A. GRCh37 (hg19) VCF-style: chr17-37873663-T-A.
Other names: c.1825T>A, p.Tyr609Asn (NM_001382790.1); c.1819T>A, p.Tyr607Asn (NM_001382791.1); c.1828T>A, p.Tyr610Asn (NM_001382792.1, NM_001382793.1, NM_001382794.1 and 9 more transcripts); c.1648T>A, p.Tyr550Asn (NM_001382799.1); c.1570T>A, p.Tyr524Asn (NM_001382802.1); c.1000T>A, p.Tyr334Asn (NM_001382804.1); c.1738T>A, p.Tyr580Asn (NM_001005862.3, NM_001289938.2, NM_001382782.1 and 1 more transcripts); c.1783T>A, p.Tyr595Asn (NM_001289936.2); and 6 more; short protein forms Y334N, Y524N, Y550N, Y580N, Y595N, Y607N, Y609N, Y610N.
Identifiers: ClinVar variation 3609989 (VCV003609989.2).